The following is an entry in ClinVar:

ClinVar aggregate classification (germline): Uncertain significance (1 of 4 stars; one submission).

Submission:

GeneDx
Classification: Uncertain significance. Last evaluated: 2019-07-01. Review status: criteria provided, single submitter. Criteria: GeneDx Variant Classification Process June 2021. Collection method: clinical testing. Allele origin: germline. Affected: yes.
Comment: Not observed in large population cohorts (Lek et al., 2016); In silico analysis, which includes protein predictors and evolutionary conservation, supports that this variant does not alter protein structure/function; Has not been previously published as pathogenic or benign to our knowledge; Variants in candidate genes are classified as variants of uncertain significance in accordance with ACMG guidelines (Richards et al., 2015)

NM_015354.3(NUP188):c.3230G>A (p.Gly1077Glu)

Gene: NUP188 (nucleoporin 188; plus strand). Cytogenetic location: 9q34.11.
Variant type: single nucleotide variant.
Coding change: c.3230G>A on transcript NM_015354.3 (MANE Select); coding-DNA position 3230, G replaced by A.
Protein change: p.Gly1077Glu; replaces glycine 1077 with glutamic acid.
Molecular consequence: missense variant.
Genome position (GRCh38, 1-based): chr9:128,995,393, G>A. VCF-style: chr9-128995393-G-A. GRCh37 (hg19) VCF-style: chr9-131757672-G-A.
Other names: short protein forms G1077E.
Identifiers: ClinVar variation 1306663 (VCV001306663.2), dbSNP rs2131180778, ClinGen allele CA375107775.
Genomic context (GRCh38, chr9:128,995,393, plus strand): 5'-AGTCATTAAAGGATACACTGAAGAAATTTTCCATCGAGAAACGCTTTGCCTACTGGTCAG[G>A]GTATGTCAAGTCATTGGCAGTTCACGTGGCCGAAACAGAAGGCAGCAGCTGCACCTCCTT-3'
Protein context (NP_056169.1, residues 1067-1087): SIEKRFAYWS[Gly1077Glu]YVKSLAVHVA